The following is an entry in ClinVar:

NM_017617.5(NOTCH1):c.2308G>A (p.Asp770Asn)

Gene: NOTCH1 (notch receptor 1; minus strand). Cytogenetic location: 9q34.3.
Variant type: single nucleotide variant.
Coding change: c.2308G>A on transcript NM_017617.5 (MANE Select); coding-DNA position 2308, G replaced by A.
Protein change: p.Asp770Asn; replaces aspartic acid 770 with asparagine.
Molecular consequence: missense variant.
Genome position (GRCh38, 1-based): chr9:136,513,437, C>T on the plus strand (G>A on the coding strand, the complement: NOTCH1 is on the minus strand). VCF-style: chr9-136513437-C-T. GRCh37 (hg19) VCF-style: chr9-139407889-C-T.
Other names: short protein forms D770N.
Identifiers: ClinVar variation 1326831 (VCV001326831.2), dbSNP rs2133358672, ClinGen allele CA375557022.

ClinVar aggregate classification (germline): Uncertain significance (1 of 4 stars; one submission).

gnomAD v4.1: 1 of 1,613,082 alleles (0.000062%); highest among the groups gnomAD compares: Non-Finnish European, 0.000085%; no homozygotes.

Submission:

GeneDx
Classification: Uncertain significance. Last evaluated: 2021-11-15. Review status: criteria provided, single submitter. Criteria: GeneDx Variant Classification Process June 2021. Collection method: clinical testing. Allele origin: germline. Affected: yes.
Comment: Has not been previously published as pathogenic or benign to our knowledge; Not observed at significant frequency in large population cohorts (Lek et al., 2016); In silico analysis supports that this missense variant has a deleterious effect on protein structure/function